The following is an entry in ClinVar:

ClinVar aggregate classification (germline): Uncertain significance (1 of 4 stars; one submission).

Conditions:
Retinoblastoma (RB1). Also called: RETINOBLASTOMA, SOMATIC. Identifiers: Orphanet 790, MedGen C0035335, MeSH D012175, MONDO:0008380, OMIM 180200, HP:0009919. Disease mechanism: loss of function. Inheritance: Both sporadic and heritable forms are tested..

Submission:

Labcorp Genetics (formerly Invitae), Labcorp
Classification: Uncertain significance for Retinoblastoma. Last evaluated: 2022-07-19. Review status: criteria provided, single submitter. Criteria: Invitae Variant Classification Sherloc (09022015). Collection method: clinical testing. Allele origin: germline.
Comment: In summary, the available evidence is currently insufficient to determine the role of this variant in disease. Therefore, it has been classified as a Variant of Uncertain Significance. Algorithms developed to predict the effect of missense changes on protein structure and function output the following: SIFT: "Deleterious"; PolyPhen-2: "Benign"; Align-GVGD: "Class C0". The tyrosine amino acid residue is found in multiple mammalian species, which suggests that this missense change does not adversely affect protein function. ClinVar contains an entry for this variant (Variation ID: 1474782). This variant has not been reported in the literature in individuals affected with RB1-related conditions. This variant is not present in population databases (gnomAD no frequency). This sequence change replaces asparagine, which is neutral and polar, with tyrosine, which is neutral and polar, at codon 133 of the RB1 protein (p.Asn133Tyr).

NM_000321.3(RB1):c.397A>T (p.Asn133Tyr)

Gene: RB1 (RB transcriptional corepressor 1; plus strand). Cytogenetic location: 13q14.2.
Variant type: single nucleotide variant.
Coding change: c.397A>T on transcript NM_000321.3 (MANE Select); coding-DNA position 397, A replaced by T.
Protein change: p.Asn133Tyr; replaces asparagine 133 with tyrosine.
Molecular consequence: missense variant.
Genome position (GRCh38, 1-based): chr13:48,345,096, A>T. VCF-style: chr13-48345096-A-T. GRCh37 (hg19) VCF-style: chr13-48919232-A-T.
Other names: short protein forms N133Y.
Identifiers: ClinVar variation 1474782 (VCV001474782.6), dbSNP rs3092900, ClinGen allele CA388252628.